The following is an entry in ClinVar:

ClinVar aggregate classification (germline): Likely benign. Review status: reviewed by expert panel (3 of 4 stars). 3 submissions from 3 submitters: Likely benign (1). 2 of the submissions do not count toward it. Last evaluated 2024-09-10.

Conditions:
Hereditary thrombocytopenia and hematological cancer predisposition syndrome associated with RUNX1. Also called: PLATELET DISORDER, ASPIRIN-LIKE; RUNX1 Familial Platelet Disorder with Associated Myeloid Malignancies; Familial Platelet Disorder with Propensity to Acute Myelogenous Leukemia; Familial thrombocytopenia with propensity to acute myelogenous leukemia. Identifiers: Orphanet 71290, MedGen C1832388, MeSH C563324, MONDO:0100083, OMIM 601399.
Hereditary cancer-predisposing syndrome. Also called: Hereditary neoplastic syndrome; Hereditary Cancer Syndrome; Tumor predisposition; Neoplastic Syndromes, Hereditary. Identifiers: Orphanet 140162, MedGen C0027672, MeSH D009386, MONDO:0015356.
Hereditary thrombocytopenia and hematologic cancer predisposition syndrome. Identifiers: Orphanet 71290, MedGen CN281654, MONDO:0011071.

Allele frequency attached by ClinVar (database versions not stated): gnomAD exomes below 0.00001; ExAC 0.00001.

Submissions (3):

ClinGen Myeloid Malignancy Variant Curation Expert Panel
Classification: Likely benign for Hereditary thrombocytopenia and hematologic cancer predisposition syndrome. Last evaluated: 2024-09-10. Review status: reviewed by expert panel. Criteria: ClinGen MyeloMalig ACMG Specifications v2. Collection method: curation. Allele origin: germline. Inheritance: Autosomal dominant inheritance.
Comment: NM_001754.5(RUNX1):c.433A>C (p.Arg145=) is a synonymous variant which has a SpliceAI score ≤ 0.20 (0.01) (BP4). This variant has a SpliceAI score ≤ 0.20 (0.01) and evolutionary conservation algorithms predict the site as not being conserved (PhyloP score ≤ 2.0 (1.44)) (BP7). In summary, this variant meets criteria to be classified as likely benign. ACMG/AMP criteria applied, as specified by the Myeloid Malignancy Variant Curation Expert Panel for RUNX1: BP4, BP7.

Labcorp Genetics (formerly Invitae), Labcorp
Classification: Likely benign for Hereditary thrombocytopenia and hematological cancer predisposition syndrome associated with RUNX1. Last evaluated: 2024-03-25. Review status: criteria provided, single submitter. Criteria: Invitae Variant Classification Sherloc (09022015). Collection method: clinical testing. Allele origin: germline. Not counted in ClinVar's aggregate classification.

Sema4
Classification: Likely benign for Hereditary cancer-predisposing syndrome. Last evaluated: 2020-12-24. Review status: criteria provided, single submitter. Criteria: Sema4 Curation Guidelines. Collection method: curation. Allele origin: germline. Not counted in ClinVar's aggregate classification.

NM_001754.5(RUNX1):c.433A>C (p.Arg145=)

Genes: RUNX1 (RUNX family transcription factor 1; minus strand), RUNX1-AS1 (RUNX1 antisense RNA 1; plus strand). Cytogenetic location: 21q22.12.
Variant type: single nucleotide variant.
Coding change: c.433A>C on transcript NM_001754.5 (MANE Select); coding-DNA position 433, A replaced by C.
Protein change: p.Arg145=; no amino-acid change (arginine 145 retained).
Molecular consequence: synonymous variant.
Genome position (GRCh38, 1-based): chr21:34,880,632, T>G on the plus strand (A>C on the coding strand, the complement: RUNX1 is on the minus strand). VCF-style: chr21-34880632-T-G. GRCh37 (hg19) VCF-style: chr21-36252929-T-G.
Other names: NM_001754.5(RUNX1):c.433A>C; p.Arg145=; c.352A>C, p.Arg118= (NM_001001890.3, NM_001122607.2).
Identifiers: ClinVar variation 1692644 (VCV001692644.4), dbSNP rs757288001, ClinGen allele CA10014517.
Genomic context (GRCh38, chr21:34,880,632, plus strand): 5'-CGACAAACCTGAGGTCATTAAATCTTGCAACCTGGTTCTTCATGGCTGCGGTAGCATTTC[T>G]CAGCTCAGCCGAGTAGTTTTCATCATTGCCAGCCATCACAGTGACCAGAGTGCCATCTGG-3'
Protein context (NP_001745.2, residues 135-155): GNDENYSAEL[Arg145=]NATAAMKNQV